The following is an entry in ClinVar:

ClinVar aggregate classification (germline): Benign. Review status: criteria provided, multiple submitters, no conflicts (2 of 4 stars). 2 submissions from 2 submitters: Benign (2). Last evaluated 2018-06-14.

Allele frequency attached by ClinVar (database versions not stated): TOPMed 0.19963; 1000 Genomes Project 0.19988; 1000 Genomes Project 30x 0.20253; gnomAD 0.20671 and 0.20680; gnomAD exomes 0.21845.
gnomAD v4.1: 319,703 of 1,476,826 alleles (22%); highest among the groups gnomAD compares: South Asian, 28%; 36,591 homozygotes.

Submissions (2):

GeneDx
Classification: Benign. Last evaluated: 2018-06-14. Review status: criteria provided, single submitter. Criteria: GeneDx Variant Classification (06012015). Collection method: clinical testing. Allele origin: germline. Affected: yes.
Comment: This variant is considered likely benign or benign based on one or more of the following criteria: it is a conservative change, it occurs at a poorly conserved position in the protein, it is predicted to be benign by multiple in silico algorithms, and/or has population frequency not consistent with disease.

Breakthrough Genomics
Classification: Benign. Review status: criteria provided, single submitter. Criteria: ACMG Guidelines, 2015. Collection method: not provided. Allele origin: germline. Inheritance: Autosomal recessive inheritance. Affected: yes.

NM_002768.5(CHMP1A):c.252+95G>A

Gene: CHMP1A (charged multivesicular body protein 1A; minus strand). Cytogenetic location: 16q24.3.
Variant type: single nucleotide variant.
Coding change: c.252+95G>A on transcript NM_002768.5 (MANE Select); 95 bases into the intron after coding-DNA position 252, G replaced by A.
Molecular consequence: intron variant.
Genome position (GRCh38, 1-based): chr16:89,649,256, C>T on the plus strand (G>A on the coding strand, the complement: CHMP1A is on the minus strand). VCF-style: chr16-89649256-C-T. GRCh37 (hg19) VCF-style: chr16-89715664-C-T.
Other names: c.232+95G>A (NM_001083314.4).
Identifiers: ClinVar variation 679126 (VCV000679126.2), dbSNP rs72805595, ClinGen allele CA14341796.
Genomic context (GRCh38, chr16:89,649,256, plus strand): 5'-TCCCCACCCCACGCTGATCCAGCTTCCCTCAACCTCCCCACCCCGCGCTGATCCACCTTC[C>T]GTCAACTCTGAGCTGCCCCAGATCCAGACCGCAGAGCCCATTCCTGCTTCAGCCAGCGAA-3'